The following is an entry in ClinVar:

ClinVar aggregate classification (germline): Uncertain significance (1 of 4 stars; one submission).

Conditions:
Rhabdoid tumor predisposition syndrome 2 (RTPS2). Identifiers: Orphanet 231108, Orphanet 69077, MedGen C2750074, MONDO:0013224, OMIM 613325.

Submission:

Labcorp Genetics (formerly Invitae), Labcorp
Classification: Uncertain significance for Rhabdoid tumor predisposition syndrome 2. Last evaluated: 2025-02-17. Review status: criteria provided, single submitter. Criteria: Invitae Variant Classification Sherloc (09022015). Collection method: clinical testing. Allele origin: germline.
Comment: This sequence change replaces threonine, which is neutral and polar, with methionine, which is neutral and non-polar, at codon 1384 of the SMARCA4 protein (p.Thr1384Met). This variant is not present in population databases (gnomAD no frequency). This variant has not been reported in the literature in individuals affected with SMARCA4-related conditions. Invitae Evidence Modeling of protein sequence and biophysical properties (such as structural, functional, and spatial information, amino acid conservation, physicochemical variation, residue mobility, and thermodynamic stability) indicates that this missense variant is expected to disrupt SMARCA4 protein function with a positive predictive value of 95%. In summary, the available evidence is currently insufficient to determine the role of this variant in disease. Therefore, it has been classified as a Variant of Uncertain Significance.

NM_003072.5(SMARCA4):c.4151C>T (p.Thr1384Met)

Gene: SMARCA4 (SWI/SNF related BAF chromatin remodeling complex subunit ATPase 4; plus strand). Cytogenetic location: 19p13.2.
Variant type: single nucleotide variant.
Coding change: c.4151C>T on transcript NM_003072.5 (MANE Select); coding-DNA position 4151, C replaced by T.
Protein change: p.Thr1384Met; replaces threonine 1384 with methionine.
Molecular consequence: missense variant. On other transcripts: non-coding transcript variant (1).
Genome position (GRCh38, 1-based): chr19:11,035,113, C>T. VCF-style: chr19-11035113-C-T. GRCh37 (hg19) VCF-style: chr19-11145789-C-T.
Other names: c.4151C>T, p.Thr1384Met (NM_001128844.3, NM_001128849.3, NM_001387283.1); c.4052C>T, p.Thr1351Met (NM_001128845.2, NM_001128846.2, NM_001128847.4 and 3 more transcripts); short protein forms T1384M, T1351M.
Identifiers: ClinVar variation 4771226 (VCV004771226.1).